The following is an entry in ClinVar:

NM_024747.6(HPS6):c.1921G>T (p.Gly641Trp)

Gene: HPS6 (HPS6 biogenesis of lysosomal organelles complex 2 subunit 3; plus strand). Cytogenetic location: 10q24.32.
Variant type: single nucleotide variant.
Coding change: c.1921G>T on transcript NM_024747.6 (MANE Select); coding-DNA position 1921, G replaced by T.
Protein change: p.Gly641Trp; replaces glycine 641 with tryptophan.
Molecular consequence: missense variant.
Genome position (GRCh38, 1-based): chr10:102,067,395, G>T. VCF-style: chr10-102067395-G-T. GRCh37 (hg19) VCF-style: chr10-103827152-G-T.
Other names: short protein forms G641W.
Identifiers: ClinVar variation 1475003 (VCV001475003.8), dbSNP rs766759764, ClinGen allele CA377873589.
Genomic context (GRCh38, chr10:102,067,395, plus strand): 5'-GCTCTGGAGCTAGAGCTGCTCTTGAGCAGTGGGCGGCCTAAAGCTGTGCTCCAAGCTGTC[G>T]GGCAGCTGGTGCAAAAGGAACAATGGGATCGGGCTCTGGATGCTGGCCTGGCCCTCGGCC-3'
Protein context (NP_079023.2, residues 631-651): GRPKAVLQAV[Gly641Trp]QLVQKEQWDR

ClinVar aggregate classification (germline): Uncertain significance (1 of 4 stars; one submission).

Submission:

Labcorp Genetics (formerly Invitae), Labcorp
Classification: Uncertain significance. Last evaluated: 2020-12-02. Review status: criteria provided, single submitter. Criteria: Invitae Variant Classification Sherloc (09022015). Collection method: clinical testing. Allele origin: germline.
Comment: This sequence change replaces glycine with tryptophan at codon 641 of the HPS6 protein (p.Gly641Trp). The glycine residue is weakly conserved and there is a large physicochemical difference between glycine and tryptophan. This variant is not present in population databases (ExAC no frequency). This variant has not been reported in the literature in individuals with HPS6-related conditions. Algorithms developed to predict the effect of missense changes on protein structure and function are either unavailable or do not agree on the potential impact of this missense change (SIFT: "Deleterious"; PolyPhen-2: "Probably Damaging"; Align-GVGD: "Class C0"). In summary, the available evidence is currently insufficient to determine the role of this variant in disease. Therefore, it has been classified as a Variant of Uncertain Significance.